The following is an entry in ClinVar:

NM_001849.4(COL6A2):c.1133_1141del (p.375PGR[1])

Gene: COL6A2 (collagen type VI alpha 2 chain; plus strand). Cytogenetic location: 21q22.3.
Variant type: Deletion.
Coding change: c.1133_1141del on transcript NM_001849.4 (MANE Select); coding-DNA positions 1133 to 1141, 9 bases deleted (CAGGACGCA; older notation c.1133_1141delCAGGACGCA).
Protein change: p.375PGR[1].
Molecular consequence: inframe deletion.
Genome position (GRCh38, 1-based): chr21:46,118,630-46,118,638, CAGGACGCA deleted. VCF-style (leftmost placement, unchanged base first): chr21-46118629-CCAGGACGCA-C. GRCh37 (hg19) VCF-style: chr21-47538543-CCAGGACGCA-C.
Other names: c.1133_1141del, p.375PGR[1] (NM_058174.3, NM_058175.3).
Identifiers: ClinVar variation 1993619 (VCV001993619.4), dbSNP rs2517001179, ClinGen allele CA2580099031.

ClinVar aggregate classification (germline): Uncertain significance (1 of 4 stars; one submission).

Conditions:
Bethlem myopathy 1A. Also called: MYOPATHY, BENIGN CONGENITAL, WITH CONTRACTURES; Bethlem myopathy 1; Bethlem Muscular Dystrophy. Identifiers: Orphanet 610, MedGen CN029274, MONDO:0024530, OMIM 158810.

Submission:

Labcorp Genetics (formerly Invitae), Labcorp
Classification: Uncertain significance for Bethlem myopathy 1A. Last evaluated: 2022-09-26. Review status: criteria provided, single submitter. Criteria: Invitae Variant Classification Sherloc (09022015). Collection method: clinical testing. Allele origin: germline.
Comment: This variant, c.1133_1141del, results in the deletion of 3 amino acid(s) of the COL6A2 protein (p.Pro378_Arg380del), but otherwise preserves the integrity of the reading frame. This variant is not present in population databases (gnomAD no frequency). This variant has not been reported in the literature in individuals affected with COL6A2-related conditions. Experimental studies and prediction algorithms are not available or were not evaluated, and the functional significance of this variant is currently unknown. In summary, the available evidence is currently insufficient to determine the role of this variant in disease. Therefore, it has been classified as a Variant of Uncertain Significance.